The following is an entry in ClinVar:

NM_052947.4(ALPK2):c.1416C>A (p.Ser472Arg)

Gene: ALPK2 (alpha kinase 2; minus strand). Cytogenetic location: 18q21.31.
Variant type: single nucleotide variant.
Coding change: c.1416C>A on transcript NM_052947.4 (MANE Select); coding-DNA position 1416, C replaced by A.
Protein change: p.Ser472Arg; replaces serine 472 with arginine.
Molecular consequence: missense variant.
Genome position (GRCh38, 1-based): chr18:58,579,360, G>T on the plus strand (C>A on the coding strand, the complement: ALPK2 is on the minus strand). VCF-style: chr18-58579360-G-T. GRCh37 (hg19) VCF-style: chr18-56246592-G-T.
Other names: short protein forms S472R.
Identifiers: ClinVar variation 1772129 (VCV001772129.3), dbSNP rs1307532946, ClinGen allele CA402563128.

ClinVar aggregate classification (germline): Uncertain significance (1 of 4 stars; one submission).

gnomAD v4.1: 1 of 1,614,128 alleles (0.000062%); highest among the groups gnomAD compares: Non-Finnish European, 0.000085%; no homozygotes.

Submission:

Ambry Genetics
Classification: Uncertain significance. Last evaluated: 2024-07-27. Review status: criteria provided, single submitter. Criteria: Ambry Variant Classification Scheme 2023. Collection method: clinical testing. Allele origin: germline.
Comment: The p.S472R variant (also known as c.1416C>A), located in coding exon 3 of the ALPK2 gene, results from a C to A substitution at nucleotide position 1416. The serine at codon 472 is replaced by arginine, an amino acid with dissimilar properties. This amino acid position is conserved. In addition, this alteration is predicted to be tolerated by in silico analysis. Since supporting evidence is limited at this time, the clinical significance of this alteration remains unclear.